The following is an entry in ClinVar:

ClinVar aggregate classification (germline): Uncertain significance (1 of 4 stars; one submission).

Conditions:
Hereditary cancer-predisposing syndrome. Also called: Tumor predisposition; Hereditary neoplastic syndrome; Hereditary Cancer Syndrome; Neoplastic Syndromes, Hereditary. Identifiers: Orphanet 140162, MedGen C0027672, MeSH D009386, MONDO:0015356.

Submission:

Ambry Genetics
Classification: Uncertain significance for Hereditary cancer-predisposing syndrome. Last evaluated: 2025-06-09. Review status: criteria provided, single submitter. Criteria: Ambry Variant Classification Scheme 2023. Collection method: clinical testing. Allele origin: germline.
Comment: The p.D1284E variant (also known as c.3852C>G), located in coding exon 26 of the SMARCA4 gene, results from a C to G substitution at nucleotide position 3852. The aspartic acid at codon 1284 is replaced by glutamic acid, an amino acid with highly similar properties. This amino acid position is conserved. In addition, this alteration is predicted to be tolerated by in silico analysis. Based on the available evidence, the clinical significance of this variant remains unclear.

NM_003072.5(SMARCA4):c.3852C>G (p.Asp1284Glu)

Gene: SMARCA4 (SWI/SNF related BAF chromatin remodeling complex subunit ATPase 4; plus strand). Cytogenetic location: 19p13.2.
Variant type: single nucleotide variant.
Coding change: c.3852C>G on transcript NM_003072.5 (MANE Select); coding-DNA position 3852, C replaced by G.
Protein change: p.Asp1284Glu; replaces aspartic acid 1284 with glutamic acid.
Molecular consequence: missense variant. On other transcripts: intron variant (6).
Genome position (GRCh38, 1-based): chr19:11,033,844, C>G. VCF-style: chr19-11033844-C-G. GRCh37 (hg19) VCF-style: chr19-11144520-C-G.
Other names: c.3852C>G, p.Asp1284Glu (NM_001128844.3, NM_001128849.3, NM_001387283.1); c.3775-279C>G (NM_001128847.4, NM_001411150.1, NM_001374457.1 and 3 more transcripts); short protein forms D1284E.
Identifiers: ClinVar variation 3958488 (VCV003958488.1).